The following is an entry in ClinVar:

ClinVar aggregate classification (germline): Uncertain significance (1 of 4 stars; one submission).

Conditions:
Severe combined immunodeficiency due to IKK2 deficiency. Also called: IMMUNODEFICIENCY 15B; Immunodeficiency 15. Identifiers: Orphanet 397787, MedGen C4747743, MONDO:0014267, OMIM 615592.

Submission:

Labcorp Genetics (formerly Invitae), Labcorp
Classification: Uncertain significance for Severe combined immunodeficiency due to IKK2 deficiency. Last evaluated: 2025-09-07. Review status: criteria provided, single submitter. Criteria: Invitae Variant Classification Sherloc (09022015). Collection method: clinical testing. Allele origin: germline.
Comment: This sequence change falls in intron 8 of the IKBKB gene. It does not directly change the encoded amino acid sequence of the IKBKB protein. It affects a nucleotide within the consensus splice site. This variant is not present in population databases (gnomAD no frequency). This variant has not been reported in the literature in individuals affected with IKBKB-related conditions. Variants that disrupt the consensus splice site are a relatively common cause of aberrant splicing (PMID: 17576681, 9536098). Algorithms developed to predict the effect of sequence changes on RNA splicing suggest that this variant may disrupt the consensus splice site. In summary, the available evidence is currently insufficient to determine the role of this variant in disease. Therefore, it has been classified as a Variant of Uncertain Significance.

Literature cited by the submitters: PubMed 17576681; PubMed 9536098.

NM_001556.3(IKBKB):c.692+5G>A

Gene: IKBKB (inhibitor of nuclear factor kappa B kinase subunit beta; plus strand). Cytogenetic location: 8p11.21.
Variant type: single nucleotide variant.
Coding change: c.692+5G>A on transcript NM_001556.3 (MANE Select); 5 bases into the intron after coding-DNA position 692, G replaced by A.
Molecular consequence: intron variant.
Genome position (GRCh38, 1-based): chr8:42,309,030, G>A. VCF-style: chr8-42309030-G-A. GRCh37 (hg19) VCF-style: chr8-42166548-G-A.
Other names: c.515+5G>A (NM_001242778.2); c.500+5G>A (NM_001190720.3).
Identifiers: ClinVar variation 4726775 (VCV004726775.1).
Genomic context (GRCh38, chr8:42,309,030, plus strand): 5'-TTTGAGTGCATCACGGGCTTCCGGCCCTTCCTCCCCAACTGGCAGCCCGTGCAGTGGTGA[G>A]TGGGCCCGGGGCACCTGGATGGAGGAGGGAGCCTGTCTGTTCCTTTCTCTTCACGTACCC-3'